The following is an entry in ClinVar:

NM_000836.4(GRIN2D):c.3774G>T (p.Gly1258=)

Gene: GRIN2D (glutamate ionotropic receptor NMDA type subunit 2D; plus strand). Cytogenetic location: 19q13.33.
Variant type: single nucleotide variant.
Coding change: c.3774G>T on transcript NM_000836.4 (MANE Select); coding-DNA position 3774, G replaced by T.
Protein change: p.Gly1258=; no amino-acid change (glycine 1258 retained).
Molecular consequence: synonymous variant.
Genome position (GRCh38, 1-based): chr19:48,443,700, G>T. VCF-style: chr19-48443700-G-T. GRCh37 (hg19) VCF-style: chr19-48946957-G-T.
Identifiers: ClinVar variation 2650207 (VCV002650207.24), dbSNP rs2513694094, ClinGen allele CA508042372.
Genomic context (GRCh38, chr19:48,443,700, plus strand): 5'-CTCGCACCGCACGCCCGCCGCCGCCGCGCCCCACCACCACAGGCACCGGCGCGCCGCTGG[G>T]GGCTGGGACCTCCCGCCGCCCGCGCCCACCTCGCGCTCGCTCGAGGACCTCAGCTCGTGC-3'
Protein context (NP_000827.2, residues 1248-1268): PHHHRHRRAA[Gly1258=]GWDLPPPAPT

ClinVar aggregate classification (germline): Likely benign (1 of 4 stars; one submission).

Submission:

CeGaT Center for Human Genetics Tuebingen
Classification: Likely benign. Last evaluated: 2022-03-01. Review status: criteria provided, single submitter. Criteria: CeGaT Center For Human Genetics Tuebingen Variant Classification Criteria Version 2. Collection method: clinical testing. Allele origin: germline. Affected: yes. Observed: 1 variant allele.
Comment: GRIN2D: PM2:Supporting, BP4, BP7